The following is an entry in ClinVar:

ClinVar aggregate classification (germline): Benign. Review status: reviewed by expert panel (3 of 4 stars). 6 submissions from 6 submitters: Benign (1). 5 of the submissions do not count toward it. Last evaluated 2024-08-07.

Conditions:
MTM1-related disorder. Also called: MTM1-related condition.
Centronuclear myopathy (CNM). Also called: Myotubular myopathy; Centronuclear myopathy, congenital. Identifiers: Orphanet 595, MedGen C0175709, MONDO:0018947. Inheritance: All.
Severe X-linked myotubular myopathy (CNMX). Also called: X-linked centronuclear myopathy; Myotubular myopathy, X-linked; MYOTUBULAR MYOPATHY 1. Identifiers: Orphanet 596, MedGen C0410203, MONDO:0010683, OMIM 310400.

Allele frequency attached by ClinVar (database versions not stated): gnomAD exomes 0.00035; ExAC 0.00059; 1000 Genomes Project 0.00079; gnomAD 0.00100 and 0.00111; ESP Exome Variant Server 0.00114; 1000 Genomes Project 30x 0.00125; TOPMed 0.00133.
gnomAD v4.1: 242 of 1,058,315 alleles (0.023%); highest among the groups gnomAD compares: African/African-American, 0.37%; no homozygotes.

Submissions (6):

ClinGen Congenital Myopathies Variant Curation Expert Panel, ClinGen
Classification: Benign for Centronuclear myopathy. Last evaluated: 2024-08-07. Review status: reviewed by expert panel. Criteria: ClinGen CongenMyopathy ACMG Specifications MTM1 V1.0.0. Collection method: curation. Allele origin: germline. Inheritance: X-linked inheritance.
Comment: The variant NM_000252.3:c.339T>C in MTM1 is a synonymous (silent) variant (p.Cys113=). The highest population filtering allele frequency in gnomAD v4.1.0 is 0.003242 (198/54107 alleles, 58 hemizygotes) in African/African American population, which is higher than the ClinGen Congenital Myopathies VCEP threshold (≥0.000016) for BA1, and therefore meets this criterion (BA1). In addition, SpliceAI does not predict impact to splicing, and the variant occurs at a nucleotide that is not conserved as shown by UCSC Genome Browser (BP4, BP7). In summary, this variant meets the criteria to be classified as benign for X-linked centronuclear myopathy based on the ACMG/AMP criteria applied, as specified by the ClinGen Congenital Myopathies VCEP: BA1, BP4, BP7. (Congenital Myopathies VCEP specifications version 1; 8/7/2024)

Labcorp Genetics (formerly Invitae), Labcorp
Classification: Benign for Severe X-linked myotubular myopathy. Last evaluated: 2026-01-31. Review status: criteria provided, single submitter. Criteria: Invitae Variant Classification Sherloc (09022015). Collection method: clinical testing. Allele origin: germline. Not counted in ClinVar's aggregate classification.

GeneDx
Classification: Benign. Last evaluated: 2021-07-29. Review status: criteria provided, single submitter. Criteria: GeneDx Variant Classification Process June 2021. Collection method: clinical testing. Allele origin: germline. Affected: yes. Not counted in ClinVar's aggregate classification.

Eurofins Ntd Llc (ga)
Classification: Benign. Last evaluated: 2015-12-24. Review status: criteria provided, single submitter. Criteria: EGL Classification Definitions 2015. Collection method: clinical testing. Allele origin: germline. Observed: 1 variant allele, 1 heterozygote. Not counted in ClinVar's aggregate classification.

Breakthrough Genomics
Classification: Benign. Review status: criteria provided, single submitter. Criteria: ACMG Guidelines, 2015. Collection method: not provided. Allele origin: germline. Inheritance: X-linked inheritance. Affected: yes. Not counted in ClinVar's aggregate classification.

PreventionGenetics, part of Exact Sciences
Classification: Likely benign for MTM1-related condition. Last evaluated: 2019-11-14. Review status: no assertion criteria provided. Collection method: clinical testing. Allele origin: germline. Not counted in ClinVar's aggregate classification.
Comment: This variant is classified as likely benign based on ACMG/AMP sequence variant interpretation guidelines (Richards et al. 2015 PMID: 25741868, with internal and published modifications).

NM_000252.3(MTM1):c.339T>C (p.Cys113=)

Gene: MTM1 (myotubularin 1; plus strand). Cytogenetic location: Xq28.
Variant type: single nucleotide variant.
Coding change: c.339T>C on transcript NM_000252.3 (MANE Select); coding-DNA position 339, T replaced by C.
Protein change: p.Cys113=; no amino-acid change (cysteine 113 retained).
Molecular consequence: synonymous variant. On other transcripts: intron variant (1).
Genome position (GRCh38, 1-based): chrX:150,614,696, T>C. VCF-style: chrX-150614696-T-C. GRCh37 (hg19) VCF-style: chrX-149783169-T-C.
Other names: NM_000252.3(MTM1):c.339T>C; p.Cys113=; c.339T>C, p.Cys113= (NM_001376906.1, NM_001376908.1); c.232-4342T>C (NM_001376907.1).
Identifiers: ClinVar variation 285094 (VCV000285094.20), dbSNP rs147644722, ClinGen allele CA10539080.